The following is an entry in ClinVar:

NM_001369.3(DNAH5):c.12656C>G (p.Ala4219Gly)

Gene: DNAH5 (dynein axonemal heavy chain 5; minus strand). Cytogenetic location: 5p15.2.
Variant type: single nucleotide variant.
Coding change: c.12656C>G on transcript NM_001369.3 (MANE Select); coding-DNA position 12656, C replaced by G.
Protein change: p.Ala4219Gly; replaces alanine 4219 with glycine.
Molecular consequence: missense variant.
Genome position (GRCh38, 1-based): chr5:13,717,364, G>C on the plus strand (C>G on the coding strand, the complement: DNAH5 is on the minus strand). VCF-style: chr5-13717364-G-C. GRCh37 (hg19) VCF-style: chr5-13717473-G-C.
Other names: short protein forms A4219G.
Identifiers: ClinVar variation 3503501 (VCV003503501.1).
Genomic context (GRCh38, chr5:13,717,364, plus strand): 5'-CGCGGCAGTACCTTTTTGACATCCATGTCATCCAAGTGGTTTTGGATGAACTGCACAGTG[G>C]CATTAAAGTCCGCTTGGTTAAATTCGTAGGGGATATTCCACCCCAGGGCACCGAACTTGC-3'
Protein context (NP_001360.1, residues 4209-4229): PYEFNQADFN[Ala4219Gly]TVQFIQNHLD

ClinVar aggregate classification (germline): Uncertain significance (1 of 4 stars; one submission).

Conditions:
Primary ciliary dyskinesia. Also called: Ciliary dyskinesia. Identifiers: Orphanet 244, MedGen C0008780, MONDO:0016575, HP:0012265.

Submission:

Ambry Genetics
Classification: Uncertain significance for Primary ciliary dyskinesia. Last evaluated: 2024-08-07. Review status: criteria provided, single submitter. Criteria: Ambry Variant Classification Scheme 2023. Collection method: clinical testing. Allele origin: germline.
Comment: The p.A4219G variant (also known as c.12656C>G), located in coding exon 73 of the DNAH5 gene, results from a C to G substitution at nucleotide position 12656. The alanine at codon 4219 is replaced by glycine, an amino acid with similar properties. This amino acid position is conserved. In addition, this alteration is predicted to be tolerated by in silico analysis. Based on the available evidence, the clinical significance of this variant remains unclear.